The following is an entry in ClinVar:

ClinVar aggregate classification (germline): Pathogenic (1 of 4 stars; one submission).

Submission:

Labcorp Genetics (formerly Invitae), Labcorp
Classification: Pathogenic. Last evaluated: 2022-09-06. Review status: criteria provided, single submitter. Criteria: Invitae Variant Classification Sherloc (09022015). Collection method: clinical testing. Allele origin: germline.
Comment: This sequence change creates a premature translational stop signal (p.Cys149Leufs*5) in the PRPF31 gene. It is expected to result in an absent or disrupted protein product. Loss-of-function variants in PRPF31 are known to be pathogenic (PMID: 18317597, 23950152). This variant is not present in population databases (gnomAD no frequency). This variant has not been reported in the literature in individuals affected with PRPF31-related conditions. ClinVar contains an entry for this variant (Variation ID: 1452462). For these reasons, this variant has been classified as Pathogenic.

Literature cited by the submitters: PubMed 18317597; PubMed 23950152.

NM_015629.4(PRPF31):c.445dup (p.Cys149fs)

Gene: PRPF31 (pre-mRNA processing factor 31; plus strand). Cytogenetic location: 19q13.42.
Variant type: Duplication.
Coding change: c.445dup on transcript NM_015629.4 (MANE Select); coding-DNA position 445, one base duplicated (T; older notation c.445dupT).
Protein change: p.Cys149fs; shifts the reading frame from cysteine 149.
Molecular consequence: frameshift variant.
Genome position (GRCh38, 1-based): chr19:54,123,478, T duplicated. VCF-style (leftmost placement, unchanged base first): chr19-54123477-G-GT. GRCh37 (hg19) VCF-style: chr19-54626856-G-GT.
Other names: short protein forms C149fs.
Identifiers: ClinVar variation 1452462 (VCV001452462.6), dbSNP rs2146418683, ClinGen allele CA2573156803.